The following is an entry in ClinVar:

NM_002137.4(HNRNPA2B1):c.578-10T>C

Gene: HNRNPA2B1 (heterogeneous nuclear ribonucleoprotein A2/B1; minus strand). Cytogenetic location: 7p15.2.
Variant type: single nucleotide variant.
Coding change: c.578-10T>C on transcript NM_002137.4 (MANE Select); 10 bases into the intron before coding-DNA position 578, T replaced by C.
Molecular consequence: intron variant.
Genome position (GRCh38, 1-based): chr7:26,196,491, A>G on the plus strand (T>C on the coding strand, the complement: HNRNPA2B1 is on the minus strand). VCF-style: chr7-26196491-A-G. GRCh37 (hg19) VCF-style: chr7-26236111-A-G.
Other names: c.578-10T>C (NM_001438578.1, NM_001438576.1, NM_001438575.1 and 4 more transcripts); c.614-10T>C (NM_001438574.1, NM_001438573.1, NM_001438568.1 and 3 more transcripts).
Identifiers: ClinVar variation 646482 (VCV000646482.10), dbSNP rs199915606, ClinGen allele CA4194581.

ClinVar aggregate classification (germline): Likely benign. Review status: criteria provided, multiple submitters, no conflicts (2 of 4 stars). 2 submissions from 2 submitters: Likely benign (2). Last evaluated 2026-09-08.

Conditions:
HNRNPA2B1-related disorder. Also called: HNRNPA2B1-related condition.
Inclusion body myopathy with early-onset Paget disease with or without frontotemporal dementia 2 (IBMPFD2). Also called: MULTISYSTEM PROTEINOPATHY 2. Identifiers: MedGen C3809468, MONDO:0014178, OMIM 615422.

Allele frequency attached by ClinVar (database versions not stated): gnomAD exomes 0.00004 and 0.00021; gnomAD 0.00005; ExAC 0.00006; TOPMed 0.00006; ESP Exome Variant Server 0.00008; 1000 Genomes Project 30x 0.00031; 1000 Genomes Project 0.00040.
gnomAD v4.1: 310 of 1,614,148 alleles (0.019%); highest among the groups gnomAD compares: Non-Finnish European, 0.026%; no homozygotes.

Submissions (2):

PreventionGenetics, part of Exact Sciences
Classification: Likely benign for HNRNPA2B1-related condition. Last evaluated: 2026-09-08. Review status: criteria provided, single submitter. Criteria: ACMG Guidelines, 2015. Collection method: clinical testing. Allele origin: germline.
Comment: This variant is classified as likely benign based on ACMG/AMP sequence variant interpretation guidelines (Richards et al. 2015 PMID: 25741868, with internal and published modifications).

Labcorp Genetics (formerly Invitae), Labcorp
Classification: Likely benign for Inclusion body myopathy with early-onset Paget disease with or without frontotemporal dementia 2. Last evaluated: 2025-12-03. Review status: criteria provided, single submitter. Criteria: Invitae Variant Classification Sherloc (09022015). Collection method: clinical testing. Allele origin: germline.